The following is an entry in ClinVar:

NM_015072.5(TTLL5):c.1183G>A (p.Val395Ile)

Gene: TTLL5 (tubulin tyrosine ligase like 5; plus strand). Cytogenetic location: 14q24.3.
Variant type: single nucleotide variant.
Coding change: c.1183G>A on transcript NM_015072.5 (MANE Select); coding-DNA position 1183, G replaced by A.
Protein change: p.Val395Ile; replaces valine 395 with isoleucine.
Molecular consequence: missense variant.
Genome position (GRCh38, 1-based): chr14:75,734,047, G>A. VCF-style: chr14-75734047-G-A. GRCh37 (hg19) VCF-style: chr14-76200390-G-A.
Other names: short protein forms V395I.
Identifiers: ClinVar variation 957951 (VCV000957951.7), dbSNP rs767267264, ClinGen allele CA7279265.
Genomic context (GRCh38, chr14:75,734,047, plus strand): 5'-AGTGATGCGCCTCTGGACCTAAAGATTAAAGCCAGTATGATTTCAGATATGTTCACTGTT[G>A]TAGGTGAGTAGTAGTATTTTCTGAACTGGACTCACATAAAAATTAACCGGAGCGTCCATT-3'
Protein context (NP_055887.3, residues 385-405): ASMISDMFTV[Val395Ile]GFVCQDPAQR

ClinVar aggregate classification (germline): Uncertain significance (1 of 4 stars; one submission).

Allele frequency attached by ClinVar (database versions not stated): gnomAD 0.00001; ExAC 0.00002; gnomAD exomes 0.00002 and 0.00004.
gnomAD v4.1: 11 of 1,613,694 alleles (0.00068%); highest among the groups gnomAD compares: Admixed American, 0.018%; no homozygotes.

Submission:

Labcorp Genetics (formerly Invitae), Labcorp
Classification: Uncertain significance. Last evaluated: 2023-12-06. Review status: criteria provided, single submitter. Criteria: Invitae Variant Classification Sherloc (09022015). Collection method: clinical testing. Allele origin: germline.
Comment: This sequence change replaces valine, which is neutral and non-polar, with isoleucine, which is neutral and non-polar, at codon 395 of the TTLL5 protein (p.Val395Ile). This variant is present in population databases (rs767267264, gnomAD 0.03%). This variant has not been reported in the literature in individuals affected with TTLL5-related conditions. ClinVar contains an entry for this variant (Variation ID: 957951). Advanced modeling of protein sequence and biophysical properties (such as structural, functional, and spatial information, amino acid conservation, physicochemical variation, residue mobility, and thermodynamic stability) performed at Invitae indicates that this missense variant is not expected to disrupt TTLL5 protein function with a negative predictive value of 80%. In summary, the available evidence is currently insufficient to determine the role of this variant in disease. Therefore, it has been classified as a Variant of Uncertain Significance.